The following is an entry in ClinVar:

ClinVar aggregate classification (germline): Pathogenic. Review status: criteria provided, multiple submitters, no conflicts (2 of 4 stars). 2 submissions from 2 submitters: Pathogenic (2). Last evaluated 2025-12-10.

Conditions:
Breast-ovarian cancer, familial, susceptibility to, 2 (BROVCA2). Also called: BRCA2 Hereditary Breast and Ovarian Cancer. Identifiers: Orphanet 145, MedGen C2675520, MONDO:0012933, OMIM 612555. Disease mechanism: loss of function.
Hereditary breast ovarian cancer syndrome. Also called: Hereditary breast and ovarian cancer; Breast and ovarian cancer; Hereditary breast and/or ovarian cancer syndrome; BRCA1- and BRCA2-Associated Hereditary Breast and Ovarian Cancer; Hereditary breast and ovarian cancer syndrome; Hereditary breast and ovarian cancer syndrome (HBOC). Identifiers: Orphanet 145, MedGen C0677776, MeSH D061325, MONDO:0003582. Disease mechanism: loss of function.

Submissions (2):

Labcorp Genetics (formerly Invitae), Labcorp
Classification: Pathogenic for Hereditary breast ovarian cancer syndrome. Last evaluated: 2025-12-10. Review status: criteria provided, single submitter. Criteria: Invitae Variant Classification Sherloc (09022015). Collection method: clinical testing. Allele origin: germline.
Comment: This sequence change creates a premature translational stop signal (p.Ser1172Argfs*5) in the BRCA2 gene. It is expected to result in an absent or disrupted protein product. Loss-of-function variants in BRCA2 are known to be pathogenic (PMID: 20104584). This variant is not present in population databases (gnomAD no frequency). This variant has not been reported in the literature in individuals affected with BRCA2-related conditions. ClinVar contains an entry for this variant (Variation ID: 3148683). For these reasons, this variant has been classified as Pathogenic.

Myriad Genetics, Inc.
Classification: Pathogenic for Breast-ovarian cancer, familial, susceptibility to, 2. Last evaluated: 2024-01-22. Review status: criteria provided, single submitter. Criteria: Myriad Autosomal Dominant, Autosomal Recessive and X-Linked Classification Criteria (2023). Collection method: clinical testing. Allele origin: unknown.
Comment: This variant is considered pathogenic. This variant creates a frameshift predicted to result in premature protein truncation.

Literature cited by the submitters: PubMed 20104584 (cited by Labcorp Genetics (formerly Invitae), Labcorp).

NM_000059.4(BRCA2):c.3514del (p.Ser1172fs)

Gene: BRCA2 (BRCA2 DNA repair associated; plus strand). Cytogenetic location: 13q13.1.
Variant type: Deletion.
Coding change: c.3514del on transcript NM_000059.4 (MANE Select); coding-DNA position 3514, one base deleted (T; older notation c.3514delT).
Protein change: p.Ser1172fs; shifts the reading frame from serine 1172.
Molecular consequence: frameshift variant. On other transcripts: non-coding transcript variant (1), intron variant (2).
Genome position (GRCh38, 1-based): chr13:32,337,869, T deleted. VCF-style (leftmost placement, unchanged base first): chr13-32337868-AT-A. GRCh37 (hg19) VCF-style: chr13-32912005-AT-A.
Other names: c.3514del, p.Ser1172fs (NM_001406719.1, NM_001406720.1); c.1909+4482del (NM_001406721.1); c.425-6689del (NM_001406722.1); short protein forms S1172fs.
Identifiers: ClinVar variation 3148683 (VCV003148683.2), dbSNP rs2548526125, ClinGen allele CA2825002128.